The following is an entry in ClinVar:

NM_000057.4(BLM):c.3826G>A (p.Ala1276Thr)

Gene: BLM (BLM RecQ like helicase; plus strand). Cytogenetic location: 15q26.1.
Variant type: single nucleotide variant.
Coding change: c.3826G>A on transcript NM_000057.4 (MANE Select); coding-DNA position 3826, G replaced by A.
Protein change: p.Ala1276Thr; replaces alanine 1276 with threonine.
Molecular consequence: missense variant.
Genome position (GRCh38, 1-based): chr15:90,809,211, G>A. VCF-style: chr15-90809211-G-A. GRCh37 (hg19) VCF-style: chr15-91352441-G-A.
Other names: c.3826G>A, p.Ala1276Thr (NM_001287246.2); c.3433G>A, p.Ala1145Thr (NM_001287247.2); c.2701G>A, p.Ala901Thr (NM_001287248.2); c.3826G>A (NM_000057.2); short protein forms A1276T, A901T, A1145T.
Identifiers: ClinVar variation 581084 (VCV000581084.13), dbSNP rs1567065690, ClinGen allele CA393849747.

ClinVar aggregate classification (germline): Uncertain significance. Review status: criteria provided, multiple submitters, no conflicts (2 of 4 stars). 3 submissions from 3 submitters: Uncertain significance (2). 1 of the submissions does not count toward it. Last evaluated 2025-09-22.

Conditions:
Hereditary cancer-predisposing syndrome. Also called: Neoplastic Syndromes, Hereditary; Tumor predisposition; Hereditary neoplastic syndrome; Hereditary Cancer Syndrome. Identifiers: Orphanet 140162, MedGen C0027672, MeSH D009386, MONDO:0015356.
Bloom syndrome (BLM). Also called: Bloom-Torre-Machacek syndrome. Identifiers: Orphanet 125, MedGen C0005859, MONDO:0008876, OMIM 210900.

Allele frequency attached by ClinVar (database versions not stated): gnomAD exomes below 0.00001.

Submissions (3):

Labcorp Genetics (formerly Invitae), Labcorp
Classification: Uncertain significance for Bloom syndrome. Last evaluated: 2025-09-22. Review status: criteria provided, single submitter. Criteria: Invitae Variant Classification Sherloc (09022015). Collection method: clinical testing. Allele origin: germline.
Comment: This sequence change replaces alanine, which is neutral and non-polar, with threonine, which is neutral and polar, at codon 1276 of the BLM protein (p.Ala1276Thr). This variant is not present in population databases (gnomAD no frequency). This variant has not been reported in the literature in individuals affected with BLM-related conditions. ClinVar contains an entry for this variant (Variation ID: 581084). Invitae Evidence Modeling of protein sequence and biophysical properties (such as structural, functional, and spatial information, amino acid conservation, physicochemical variation, residue mobility, and thermodynamic stability) indicates that this missense variant is not expected to disrupt BLM protein function with a negative predictive value of 80%. In summary, the available evidence is currently insufficient to determine the role of this variant in disease. Therefore, it has been classified as a Variant of Uncertain Significance.

Ambry Genetics
Classification: Uncertain significance for Hereditary cancer-predisposing syndrome. Last evaluated: 2025-03-01. Review status: criteria provided, single submitter. Criteria: Ambry Variant Classification Scheme 2023. Collection method: clinical testing. Allele origin: germline.
Comment: The p.A1276T variant (also known as c.3826G>A), located in coding exon 19 of the BLM gene, results from a G to A substitution at nucleotide position 3826. The alanine at codon 1276 is replaced by threonine, an amino acid with similar properties. This amino acid position is highly conserved in available vertebrate species. In addition, the in silico prediction for this alteration is inconclusive. Since supporting evidence is limited at this time, the clinical significance of this alteration remains unclear.

Natera, Inc.
Classification: Uncertain significance for Bloom syndrome. Last evaluated: 2020-09-01. Review status: no assertion criteria provided. Collection method: clinical testing. Allele origin: germline. Not counted in ClinVar's aggregate classification.